The following is an entry in ClinVar:

ClinVar aggregate classification (germline): Uncertain significance (1 of 4 stars; one submission).

Conditions:
Ehlers-Danlos syndrome, spondylodysplastic type, 2 (EDSSPD2). Also called: Ehlers-Danlos syndrome, progeroid type, 2. Identifiers: Orphanet 536467, Orphanet 75496, MedGen C3809210, MONDO:0014139, OMIM 615349.
Spondyloepimetaphyseal dysplasia with joint laxity (SEMDJL). Identifiers: MedGen C0432243, MONDO:0019675.

Allele frequency attached by ClinVar (database versions not stated): gnomAD 0.00001; TOPMed 0.00002.

Submission:

Labcorp Genetics (formerly Invitae), Labcorp
Classification: Uncertain significance for Ehlers-Danlos syndrome, spondylodysplastic type, 2; Spondyloepimetaphyseal dysplasia with joint laxity. Last evaluated: 2021-06-20. Review status: criteria provided, single submitter. Criteria: Invitae Variant Classification Sherloc (09022015). Collection method: clinical testing. Allele origin: germline.
Comment: This sequence change replaces arginine with glycine at codon 54 of the B3GALT6 protein (p.Arg54Gly). The arginine residue is moderately conserved and there is a moderate physicochemical difference between arginine and glycine. The frequency data for this variant in the population databases is considered unreliable, as metrics indicate insufficient coverage at this position in the ExAC database. In summary, the available evidence is currently insufficient to determine the role of this variant in disease. Therefore, it has been classified as a Variant of Uncertain Significance. Algorithms developed to predict the effect of missense changes on protein structure and function output the following: SIFT: "Tolerated"; PolyPhen-2: "Benign"; Align-GVGD: "Class C0". The glycine amino acid residue is found in multiple mammalian species, suggesting that this missense change does not adversely affect protein function. These predictions have not been confirmed by published functional studies and their clinical significance is uncertain. This variant has not been reported in the literature in individuals with B3GALT6-related conditions.

NM_080605.4(B3GALT6):c.160C>G (p.Arg54Gly)

Gene: B3GALT6 (beta-1,3-galactosyltransferase 6; plus strand). Cytogenetic location: 1p36.33.
Variant type: single nucleotide variant.
Coding change: c.160C>G on transcript NM_080605.4 (MANE Select); coding-DNA position 160, C replaced by G.
Protein change: p.Arg54Gly; replaces arginine 54 with glycine.
Molecular consequence: missense variant.
Genome position (GRCh38, 1-based): chr1:1,232,438, C>G. VCF-style: chr1-1232438-C-G. GRCh37 (hg19) VCF-style: chr1-1167818-C-G.
Other names: short protein forms R54G.
Identifiers: ClinVar variation 1434609 (VCV001434609.8), dbSNP rs1035452129, ClinGen allele CA16755111.